The following is an entry in ClinVar:

ClinVar aggregate classification (germline): Uncertain significance (1 of 4 stars; one submission).

Conditions:
Frontotemporal dementia and/or amyotrophic lateral sclerosis 4. Also called: FTDALS4. Identifiers: Orphanet 275872, MedGen C4225325, MONDO:0014641, OMIM 616439.

Submission:

Labcorp Genetics (formerly Invitae), Labcorp
Classification: Uncertain significance for Frontotemporal dementia and/or amyotrophic lateral sclerosis 4. Last evaluated: 2025-01-08. Review status: criteria provided, single submitter. Criteria: Invitae Variant Classification Sherloc (09022015). Collection method: clinical testing. Allele origin: germline.
Comment: This sequence change falls in intron 19 of the TBK1 gene. It does not directly change the encoded amino acid sequence of the TBK1 protein. This variant is not present in population databases (gnomAD no frequency). This variant has been observed in individual(s) with clinical features of amyotrophic lateral sclerosis (internal data). Algorithms developed to predict the effect of sequence changes on RNA splicing suggest that this variant may disrupt the consensus splice site. In summary, the available evidence is currently insufficient to determine the role of this variant in disease. Therefore, it has been classified as a Variant of Uncertain Significance.

NM_013254.4(TBK1):c.2067-14_2067-11del

Gene: TBK1 (TANK binding kinase 1; plus strand). Cytogenetic location: 12q14.2.
Variant type: Deletion.
Coding change: c.2067-14_2067-11del on transcript NM_013254.4 (MANE Select); 14 bases into the intron before coding-DNA position 2067 through 11 bases into the intron before coding-DNA position 2067, 4 bases deleted (GTTT; older notation c.2067-14_2067-11delGTTT).
Molecular consequence: intron variant.
Genome position (GRCh38, 1-based): chr12:64,497,954-64,497,957, GTTT deleted; deleting any 4 consecutive bases within chr12:64,497,952-64,497,957 gives the same sequence; the c. name uses the placement nearest the transcript's 3' end. VCF-style (leftmost placement, unchanged base first): chr12-64497951-CTTGT-C. GRCh37 (hg19) VCF-style: chr12-64891731-CTTGT-C.
Identifiers: ClinVar variation 3728753 (VCV003728753.2).